The following is an entry in ClinVar:

ClinVar aggregate classification (germline): Uncertain significance. Review status: criteria provided, multiple submitters, no conflicts (2 of 4 stars). 3 submissions from 3 submitters: Uncertain significance (3). Last evaluated 2025-08-22.

Conditions:
Autosomal recessive ataxia, Beauce type. Also called: Spinocerebellar ataxia, autosomal recessive 8; ATAXIA, RECESSIVE, OF BEAUCE; SYNE1 Deficiency; SYNE1-Related Autosomal Recessive Cerebellar Ataxia. Identifiers: Orphanet 88644, MedGen C1853116, MONDO:0012549, OMIM 610743.
Emery-Dreifuss muscular dystrophy 4, autosomal dominant (EDMD4). Also called: EMERY-DREIFUSS MUSCULAR DYSTROPHY 4 WITH VARIABLE FEATURES. Identifiers: Orphanet 261, MedGen C2751807, MONDO:0013071, OMIM 612998.

Allele frequency attached by ClinVar (database versions not stated): gnomAD 0.00001 and 0.00003; TOPMed 0.00005; ExAC 0.00007; gnomAD exomes 0.00009; 1000 Genomes Project 30x 0.00016; 1000 Genomes Project 0.00020.
gnomAD v4.1: 182 of 1,613,904 alleles (0.011%); highest among the groups gnomAD compares: South Asian, 0.064%; 1 homozygote.

Submissions (3):

Labcorp Genetics (formerly Invitae), Labcorp
Classification: Uncertain significance for Emery-Dreifuss muscular dystrophy 4, autosomal dominant; Autosomal recessive ataxia, Beauce type. Last evaluated: 2025-08-22. Review status: criteria provided, single submitter. Criteria: Invitae Variant Classification Sherloc (09022015). Collection method: clinical testing. Allele origin: germline.
Comment: This sequence change replaces leucine, which is neutral and non-polar, with valine, which is neutral and non-polar, at codon 8190 of the SYNE1 protein (p.Leu8190Val). This variant is present in population databases (rs567391477, gnomAD 0.05%). This variant has not been reported in the literature in individuals affected with SYNE1-related conditions. ClinVar contains an entry for this variant (Variation ID: 290282). An algorithm developed to predict the effect of missense changes on protein structure and function (PolyPhen-2) suggests that this variant is likely to be disruptive. In summary, the available evidence is currently insufficient to determine the role of this variant in disease. Therefore, it has been classified as a Variant of Uncertain Significance.

Revvity Omics, Revvity
Classification: Uncertain significance. Last evaluated: 2021-11-26. Review status: criteria provided, single submitter. Criteria: ACMG Guidelines, 2015. Collection method: clinical testing. Allele origin: germline.

Eurofins Ntd Llc (ga)
Classification: Uncertain significance. Last evaluated: 2016-08-11. Review status: criteria provided, single submitter. Criteria: EGL Classification Definitions 2015. Collection method: clinical testing. Allele origin: germline. Observed: 1 variant allele, 1 heterozygote.

NM_182961.4(SYNE1):c.24781C>G (p.Leu8261Val)

Gene: SYNE1 (spectrin repeat containing nuclear envelope protein 1; minus strand). Cytogenetic location: 6q25.2.
Variant type: single nucleotide variant.
Coding change: c.24781C>G on transcript NM_182961.4 (MANE Select); coding-DNA position 24781, C replaced by G.
Protein change: p.Leu8261Val; replaces leucine 8261 with valine.
Molecular consequence: missense variant.
Genome position (GRCh38, 1-based): chr6:152,148,240, G>C on the plus strand (C>G on the coding strand, the complement: SYNE1 is on the minus strand). VCF-style: chr6-152148240-G-C. GRCh37 (hg19) VCF-style: chr6-152469375-G-C.
Other names: c.24568C>G (NM_033071.3); c.1387C>G, p.Leu463Val (NM_001347701.2); c.1246C>G, p.Leu416Val (NM_001347702.2); c.24568C>G, p.Leu8190Val (NM_033071.5); short protein forms L8261V, L8190V, L463V, L416V.
Identifiers: ClinVar variation 290282 (VCV000290282.9), dbSNP rs567391477, ClinGen allele CA4053075.
Genomic context (GRCh38, chr6:152,148,240, plus strand): 5'-TGGAGTCCACACTAGCCGGGGTGTCTCGTCCTGACCGCTCGCTCCGGAGGGGCTGAGCGA[G>C]CGAGAGGGAGAGATTGGAGGAAGGCTGTGGAGAAAGCAGGCTGTCTGCAGAGCGGTCGTG-3'
Protein context (NP_892006.3, residues 8251-8271): PQPSSNLSLS[Leu8261Val]AQPLRSERSG